The following is an entry in ClinVar:

ClinVar aggregate classification (germline): Uncertain significance. Review status: criteria provided, multiple submitters, no conflicts (2 of 4 stars). 3 submissions from 3 submitters: Uncertain significance (3). Last evaluated 2025-08-18.

Allele frequency attached by ClinVar (database versions not stated): ExAC 0.00001; gnomAD exomes 0.00001.
gnomAD v4.1: 12 of 1,601,192 alleles (0.00075%); highest among the groups gnomAD compares: Non-Finnish European, 0.001%; no homozygotes.

Submissions (3):

Labcorp Genetics (formerly Invitae), Labcorp
Classification: Uncertain significance. Last evaluated: 2025-08-18. Review status: criteria provided, single submitter. Criteria: Invitae Variant Classification Sherloc (09022015). Collection method: clinical testing. Allele origin: germline.
Comment: This sequence change replaces arginine, which is basic and polar, with glutamine, which is neutral and polar, at codon 73 of the RDH11 protein (p.Arg73Gln). This variant is present in population databases (rs774576822, gnomAD 0.0009%). This variant has not been reported in the literature in individuals affected with RDH11-related conditions. ClinVar contains an entry for this variant (Variation ID: 1925832). An algorithm developed to predict the effect of missense changes on protein structure and function (PolyPhen-2) suggests that this variant is likely to be disruptive. In summary, the available evidence is currently insufficient to determine the role of this variant in disease. Therefore, it has been classified as a Variant of Uncertain Significance.

Blueprint Genetics
Classification: Uncertain significance. Last evaluated: 2024-02-15. Review status: criteria provided, single submitter. Criteria: ACMG Guidelines, 2015. Collection method: clinical testing. Allele origin: germline.

Ambry Genetics
Classification: Uncertain significance. Last evaluated: 2023-12-12. Review status: criteria provided, single submitter. Criteria: Ambry Variant Classification Scheme 2023. Collection method: clinical testing. Allele origin: germline.

NM_016026.4(RDH11):c.218G>A (p.Arg73Gln)

Genes: GPHN (gephyrin; plus strand), RDH11 (retinol dehydrogenase 11; minus strand). Cytogenetic location: 14q24.1.
Variant type: single nucleotide variant.
Coding change: c.218G>A on transcript NM_016026.4 (MANE Select); coding-DNA position 218, G replaced by A.
Protein change: p.Arg73Gln; replaces arginine 73 with glutamine.
Molecular consequence: missense variant.
Genome position (GRCh38, 1-based): chr14:67,692,569, C>T on the plus strand (G>A on the coding strand, the complement: RDH11 is on the minus strand). VCF-style: chr14-67692569-C-T. GRCh37 (hg19) VCF-style: chr14-68159286-C-T.
Other names: c.218G>A (NM_016026.3); c.218G>A, p.Arg73Gln (NM_001252650.2); short protein forms R73Q.
Identifiers: ClinVar variation 1925832 (VCV001925832.6), dbSNP rs774576822, ClinGen allele CA7238458.